The following is an entry in ClinVar:

NM_014915.3(ANKRD26):c.2473A>C (p.Lys825Gln)

Gene: ANKRD26 (ankyrin repeat domain 26; minus strand). Cytogenetic location: 10p12.1.
Variant type: single nucleotide variant.
Coding change: c.2473A>C on transcript NM_014915.3 (MANE Select); coding-DNA position 2473, A replaced by C.
Protein change: p.Lys825Gln; replaces lysine 825 with glutamine.
Molecular consequence: missense variant.
Genome position (GRCh38, 1-based): chr10:27,037,957, T>G on the plus strand (A>C on the coding strand, the complement: ANKRD26 is on the minus strand). VCF-style: chr10-27037957-T-G. GRCh37 (hg19) VCF-style: chr10-27326886-T-G.
Other names: c.2470A>C, p.Lys824Gln (NM_001256053.2); short protein forms K825Q, K824Q.
Identifiers: ClinVar variation 4579948 (VCV004579948.1).

ClinVar aggregate classification (germline): Uncertain significance (1 of 4 stars; one submission).

Conditions:
Inborn genetic diseases. Identifiers: MedGen C0950123, MeSH D030342.

Submission:

Ambry Genetics
Classification: Uncertain significance for Inborn genetic diseases. Last evaluated: 2025-11-11. Review status: criteria provided, single submitter. Criteria: Ambry Variant Classification Scheme 2023. Collection method: clinical testing. Allele origin: germline.
Comment: The p.K825Q variant (also known as c.2473A>C), located in coding exon 22 of the ANKRD26 gene, results from an A to C substitution at nucleotide position 2473. The lysine at codon 825 is replaced by glutamine, an amino acid with similar properties. This amino acid position is conserved. In addition, this alteration is predicted to be tolerated by in silico analysis. Based on the available evidence, the clinical significance of this variant remains unclear.